The following is an entry in ClinVar:

NM_022051.3(EGLN1):c.349C>T (p.Pro117Ser)

Gene: EGLN1 (egl-9 family hypoxia inducible factor 1; minus strand). Cytogenetic location: 1q42.2.
Variant type: single nucleotide variant.
Coding change: c.349C>T on transcript NM_022051.3 (MANE Select); coding-DNA position 349, C replaced by T.
Protein change: p.Pro117Ser; replaces proline 117 with serine.
Molecular consequence: missense variant.
Genome position (GRCh38, 1-based): chr1:231,421,540, G>A on the plus strand (C>T on the coding strand, the complement: EGLN1 is on the minus strand). VCF-style: chr1-231421540-G-A. GRCh37 (hg19) VCF-style: chr1-231557286-G-A.
Other names: c.349C>T, p.Pro117Ser (NM_001377260.1, NM_001377261.1); short protein forms P117S.
Identifiers: ClinVar variation 1732020 (VCV001732020.7), dbSNP rs1302770820, ClinGen allele CA345237533.

ClinVar aggregate classification (germline): Conflicting classifications of pathogenicity. Review status: criteria provided, conflicting classifications (1 of 4 stars). 2 submissions from 2 submitters: Uncertain significance (1); Likely benign (1). Last evaluated 2021-12-23.

Conditions:
Erythrocytosis, familial, 3 (ECYT3). Identifiers: Orphanet 247511, MedGen C1853286, MONDO:0012353, OMIM 609820.

Allele frequency attached by ClinVar (database versions not stated): TOPMed below 0.00001; gnomAD 0.00002.
gnomAD v4.1: 9 of 1,297,478 alleles (0.00069%); highest among the groups gnomAD compares: Admixed American, 0.0042%; no homozygotes.

Submissions (2):

Labcorp Genetics (formerly Invitae), Labcorp
Classification: Uncertain significance for Erythrocytosis, familial, 3. Last evaluated: 2021-12-23. Review status: criteria provided, single submitter. Criteria: Invitae Variant Classification Sherloc (09022015). Collection method: clinical testing. Allele origin: germline.
Comment: This sequence change replaces proline, which is neutral and non-polar, with serine, which is neutral and polar, at codon 117 of the EGLN1 protein (p.Pro117Ser). This variant is present in population databases (no rsID available, gnomAD 0.02%). This variant has not been reported in the literature in individuals affected with EGLN1-related conditions. Algorithms developed to predict the effect of missense changes on protein structure and function are either unavailable or do not agree on the potential impact of this missense change (SIFT: "Tolerated"; PolyPhen-2: "Possibly Damaging"; Align-GVGD: "Class C0"). In summary, the available evidence is currently insufficient to determine the role of this variant in disease. Therefore, it has been classified as a Variant of Uncertain Significance.

Ambry Genetics
Classification: Likely benign. Last evaluated: 2021-09-21. Review status: criteria provided, single submitter. Criteria: Ambry Variant Classification Scheme 2023. Collection method: clinical testing. Allele origin: germline.